The following is an entry in ClinVar:

ClinVar aggregate classification (germline): Uncertain significance (1 of 4 stars; one submission).

Conditions:
Lymphoproliferative syndrome 2 (LPFS2). Also called: CD27 DEFICIENCY; Combined immunodeficiency due to CD27 deficiency. Identifiers: Orphanet 238505, MedGen C3554540, MONDO:0014054, OMIM 615122.

Submission:

Labcorp Genetics (formerly Invitae), Labcorp
Classification: Uncertain significance for Lymphoproliferative syndrome 2. Last evaluated: 2026-01-21. Review status: criteria provided, single submitter. Criteria: Invitae Variant Classification Sherloc (09022015). Collection method: clinical testing. Allele origin: germline.
Comment: This sequence change replaces threonine, which is neutral and polar, with isoleucine, which is neutral and non-polar, at codon 21 of the CD27 protein (p.Thr21Ile). This variant is present in population databases (no rsID available, gnomAD 0.003%). This variant has not been reported in the literature in individuals affected with CD27-related conditions. An algorithm developed to predict the effect of missense changes on protein structure and function (PolyPhen-2) suggests that this variant is likely to be tolerated. In summary, the available evidence is currently insufficient to determine the role of this variant in disease. Therefore, it has been classified as a Variant of Uncertain Significance.

NM_001242.5(CD27):c.62C>T (p.Thr21Ile)

Genes: CD27 (CD27 molecule; plus strand), CD27-AS1 (CD27 antisense RNA 1; minus strand). Cytogenetic location: 12p13.31.
Variant type: single nucleotide variant.
Coding change: c.62C>T on transcript NM_001242.5 (MANE Select); coding-DNA position 62, C replaced by T.
Protein change: p.Thr21Ile; replaces threonine 21 with isoleucine.
Molecular consequence: missense variant. On other transcripts: non-coding transcript variant (3), intron variant (3).
Genome position (GRCh38, 1-based): chr12:6,445,157, C>T. VCF-style: chr12-6445157-C-T. GRCh37 (hg19) VCF-style: chr12-6554323-C-T.
Other names: c.62C>T, p.Thr21Ile (NM_001413263.1, NM_001413264.1, NM_001413265.1); c.-402-267C>T (NM_001413267.1); c.-314-267C>T (NM_001413266.1, NM_001413268.1); short protein forms T21I.
Identifiers: ClinVar variation 4739907 (VCV004739907.1).
Genomic context (GRCh38, chr12:6,445,157, plus strand): 5'-TGGCACGGCCACATCCCTGGTGGCTGTGCGTTCTGGGGACCCTGGTGGGGCTCTCAGCTA[C>T]TCCAGCCCCCAAGAGCTGCCCAGAGAGGCACTACTGGGCTCAGGGAAAGCTGTGCTGCCA-3'
Protein context (NP_001233.2, residues 11-31): VLGTLVGLSA[Thr21Ile]PAPKSCPERH